The following is an entry in ClinVar:

NM_017780.4(CHD7):c.1996A>G (p.Lys666Glu)

Genes: CHD7 (chromodomain helicase DNA binding protein 7; plus strand), LOC126860403 (CDK7 strongly-dependent group 2 enhancer GRCh37_chr8:61693034-61694233; plus strand). Cytogenetic location: 8q12.2.
Variant type: single nucleotide variant.
Coding change: c.1996A>G on transcript NM_017780.4 (MANE Select); coding-DNA position 1996, A replaced by G.
Protein change: p.Lys666Glu; replaces lysine 666 with glutamic acid.
Molecular consequence: missense variant. On other transcripts: intron variant (1).
Genome position (GRCh38, 1-based): chr8:60,781,330, A>G. VCF-style: chr8-60781330-A-G. GRCh37 (hg19) VCF-style: chr8-61693889-A-G.
Other names: c.1716+280A>G (NM_001316690.1); short protein forms K666E.
Identifiers: ClinVar variation 2585866 (VCV002585866.5), dbSNP rs1173281816, ClinGen allele CA371313332.
Genomic context (GRCh38, chr8:60,781,330, plus strand): 5'-AGGTCAAAGGCAAAAAAAGACCCGAAGGAACCGAAAGAACCCAAGGAGAAAAAAGAGCCC[A>G]AGGAACCCAAGACCCCGAAAGCCCCTAAGATTCCCAAAGAGCCAAAGGAAAAGAAAGCAA-3'
Protein context (NP_060250.2, residues 656-676): PKEPKEKKEP[Lys666Glu]EPKTPKAPKI

ClinVar aggregate classification (germline): Uncertain significance. Review status: criteria provided, multiple submitters, no conflicts (2 of 4 stars). 2 submissions from 2 submitters: Uncertain significance (2). Last evaluated 2023-08-06.

Conditions:
Inborn genetic diseases. Identifiers: MedGen C0950123, MeSH D030342.
CHARGE syndrome (CHARGE). Also called: Hittner Hirsch Kreh syndrome; CHARGE ASSOCIATION--COLOBOMA, HEART ANOMALY, CHOANAL ATRESIA, RETARDATION, GENITAL AND EAR ANOMALIES; Coloboma, heart anomaly, choanal atresia, retardation, genital and ear anomalies; CHARGE association; Hall-Hittner syndrome. Identifiers: Orphanet 138, MedGen C0265354, MONDO:0008965.

Allele frequency attached by ClinVar (database versions not stated): gnomAD exomes below 0.00001.
gnomAD v4.1: 1 of 1,573,392 alleles (0.000064%); highest among the groups gnomAD compares: Non-Finnish European, 0.000086%; no homozygotes.

Submissions (2):

Ambry Genetics
Classification: Uncertain significance for Inborn genetic diseases. Last evaluated: 2023-08-06. Review status: criteria provided, single submitter. Criteria: Ambry Variant Classification Scheme 2023. Collection method: clinical testing. Allele origin: germline.
Comment: The p.K666E variant (also known as c.1996A>G), located in coding exon 2 of the CHD7 gene, results from an A to G substitution at nucleotide position 1996. The lysine at codon 666 is replaced by glutamic acid, an amino acid with similar properties. This amino acid position is conserved. In addition, the in silico prediction for this alteration is inconclusive. Since supporting evidence is limited at this time, the clinical significance of this alteration remains unclear.

Labcorp Genetics (formerly Invitae), Labcorp
Classification: Uncertain significance for CHARGE syndrome. Last evaluated: 2023-04-08. Review status: criteria provided, single submitter. Criteria: Invitae Variant Classification Sherloc (09022015). Collection method: clinical testing. Allele origin: germline.
Comment: This sequence change replaces lysine, which is basic and polar, with glutamic acid, which is acidic and polar, at codon 666 of the CHD7 protein (p.Lys666Glu). The frequency data for this variant in the population databases is considered unreliable, as metrics indicate poor data quality at this position in the gnomAD database. In summary, the available evidence is currently insufficient to determine the role of this variant in disease. Therefore, it has been classified as a Variant of Uncertain Significance. Advanced modeling of protein sequence and biophysical properties (such as structural, functional, and spatial information, amino acid conservation, physicochemical variation, residue mobility, and thermodynamic stability) performed at Invitae indicates that this missense variant is not expected to disrupt CHD7 protein function. This variant has not been reported in the literature in individuals affected with CHD7-related conditions.